The following is an entry in ClinVar:

NM_177438.3(DICER1):c.1823A>G (p.Asp608Gly)

Gene: DICER1 (dicer 1, ribonuclease III; minus strand). Cytogenetic location: 14q32.13.
Variant type: single nucleotide variant.
Coding change: c.1823A>G on transcript NM_177438.3 (MANE Select); coding-DNA position 1823, A replaced by G.
Protein change: p.Asp608Gly; replaces aspartic acid 608 with glycine.
Molecular consequence: missense variant.
Genome position (GRCh38, 1-based): chr14:95,115,751, T>C on the plus strand (A>G on the coding strand, the complement: DICER1 is on the minus strand). VCF-style: chr14-95115751-T-C. GRCh37 (hg19) VCF-style: chr14-95582088-T-C.
Other names: c.1823A>G, p.Asp608Gly (NM_001195573.1, NM_001271282.3, NM_001291628.2 and 1 more transcripts); short protein forms D608G.
Identifiers: ClinVar variation 477065 (VCV000477065.17), dbSNP rs1270338113, ClinGen allele CA390884054.

ClinVar aggregate classification (germline): Uncertain significance. Review status: criteria provided, multiple submitters, no conflicts (2 of 4 stars). 3 submissions from 3 submitters: Uncertain significance (3). Last evaluated 2025-11-25.

Conditions:
DICER1-related tumor predisposition. Also called: DICER1-related pleuropulmonary blastoma cancer predisposition syndrome; DICER1 syndrome. Identifiers: Orphanet 284343, MedGen C3839822, MONDO:0100216.
Hereditary cancer-predisposing syndrome. Also called: Tumor predisposition; Neoplastic Syndromes, Hereditary; Hereditary Cancer Syndrome; Hereditary neoplastic syndrome. Identifiers: Orphanet 140162, MedGen C0027672, MeSH D009386, MONDO:0015356.

Allele frequency attached by ClinVar (database versions not stated): gnomAD exomes below 0.00001 and 0.00001; gnomAD 0.00001; TOPMed 0.00002.
gnomAD v4.1: 7 of 1,614,034 alleles (0.00043%); highest among the groups gnomAD compares: South Asian, 0.0011%; no homozygotes.

Submissions (3):

Labcorp Genetics (formerly Invitae), Labcorp
Classification: Uncertain significance for DICER1-related tumor predisposition. Last evaluated: 2025-11-25. Review status: criteria provided, single submitter. Criteria: Invitae Variant Classification Sherloc (09022015). Collection method: clinical testing. Allele origin: germline.
Comment: This sequence change replaces aspartic acid, which is acidic and polar, with glycine, which is neutral and non-polar, at codon 608 of the DICER1 protein (p.Asp608Gly). This variant is present in population databases (no rsID available, gnomAD 0.002%). This variant has not been reported in the literature in individuals affected with DICER1-related conditions. ClinVar contains an entry for this variant (Variation ID: 477065). Invitae Evidence Modeling of protein sequence and biophysical properties (such as structural, functional, and spatial information, amino acid conservation, physicochemical variation, residue mobility, and thermodynamic stability) indicates that this missense variant is not expected to disrupt DICER1 protein function with a negative predictive value of 95%. RNA analysis performed to evaluate the impact of this missense change on mRNA splicing indicates it does not significantly alter splicing (internal data). In summary, the available evidence is currently insufficient to determine the role of this variant in disease. Therefore, it has been classified as a Variant of Uncertain Significance.

Ambry Genetics
Classification: Uncertain significance for Hereditary cancer-predisposing syndrome. Last evaluated: 2024-10-17. Review status: criteria provided, single submitter. Criteria: Ambry Variant Classification Scheme 2023. Collection method: clinical testing. Allele origin: germline.
Comment: The p.D608G variant (also known as c.1823A>G), located in coding exon 10 of the DICER1 gene, results from an A to G substitution at nucleotide position 1823. The aspartic acid at codon 608 is replaced by glycine, an amino acid with similar properties. This amino acid position is highly conserved in available vertebrate species. In addition, this alteration is predicted to be tolerated by in silico analysis. Since supporting evidence is limited at this time, the clinical significance of this alteration remains unclear.

GeneDx
Classification: Uncertain significance. Last evaluated: 2024-05-31. Review status: criteria provided, single submitter. Criteria: GeneDx Variant Classification Process June 2021. Collection method: clinical testing. Allele origin: germline. Affected: yes.
Comment: Not observed at significant frequency in large population cohorts (gnomAD); In silico analysis indicates that this missense variant does not alter protein structure/function; Has not been previously published as pathogenic or benign to our knowledge